The following is an entry in ClinVar:

NM_000489.6(ATRX):c.1676C>T (p.Ser559Leu)

Gene: ATRX (ATRX chromatin remodeler; minus strand). Cytogenetic location: Xq21.1.
Variant type: single nucleotide variant.
Coding change: c.1676C>T on transcript NM_000489.6 (MANE Select); coding-DNA position 1676, C replaced by T.
Protein change: p.Ser559Leu; replaces serine 559 with leucine.
Molecular consequence: missense variant.
Genome position (GRCh38, 1-based): chrX:77,683,580, G>A on the plus strand (C>T on the coding strand, the complement: ATRX is on the minus strand). VCF-style: chrX-77683580-G-A. GRCh37 (hg19) VCF-style: chrX-76939072-G-A.
Other names: c.1562C>T, p.Ser521Leu (NM_138270.5); short protein forms S559L, S521L.
Identifiers: ClinVar variation 402182 (VCV000402182.8), dbSNP rs1060499760, ClinGen allele CA16609549.

ClinVar aggregate classification (germline): Conflicting classifications of pathogenicity. Review status: criteria provided, conflicting classifications (1 of 4 stars). 4 submissions from 4 submitters: Likely pathogenic (1); Uncertain significance (3). Last evaluated 2025-09-09.

Conditions:
Alpha thalassemia-X-linked intellectual disability syndrome (ATRX). Also called: ALPHA-THALASSEMIA/MENTAL RETARDATION SYNDROME, X-LINKED; X-linked alpha-thalassemia-mental retardation syndrome; ATR-X syndrome; Alpha thalassemia mental retardation syndrome, nondeletion type, X-linked; XLMR hypotonic face syndrome; ATR, NONDELETION TYPE. Identifiers: Orphanet 847, MedGen C1845055, MONDO:0010519, OMIM 301040.
Intellectual disability-hypotonic facies syndrome, X-linked, 1 (MRXHF1). Also called: Smith Fineman Myers syndrome 1; XLMR-HYPOTONIC FACIES SYNDROME; CHUDLEY-LOWRY SYNDROME; Chudley syndrome 1; Chudley-Lowry-Hoar syndrome; Carpenter-Waziri syndrome. Identifiers: Orphanet 73220, Orphanet 93970, Orphanet 93971, Orphanet 93972, Orphanet 93973, Orphanet 93974, Orphanet 93975, MedGen C4759781, MONDO:0010663, OMIM 309580.
Global developmental delay (DD). Also called: Cognitive delay. Identifiers: MedGen C0557874, HP:0001263. Disease mechanism: loss of function.
Microcephaly. Also called: Microcephaly (disease). Identifiers: MedGen C4551563, MONDO:0001149, HP:0000252.

Allele frequency attached by ClinVar (database versions not stated): gnomAD exomes below 0.00001; TOPMed below 0.00001.
gnomAD v4.1: 1 of 1,210,868 alleles (0.000083%); highest among the groups gnomAD compares: Non-Finnish European, 0.00011%; no homozygotes.

Submissions (4):

3billion
Classification: Uncertain significance for Intellectual disability-hypotonic facies syndrome, X-linked, 1. Last evaluated: 2025-09-09. Review status: criteria provided, single submitter. Criteria: ACMG Guidelines, 2015. Collection method: clinical testing. Allele origin: germline. Affected: yes.
Comment: The variant is observed at an extremely low frequency in the gnomAD v4.1.0 dataset (total allele frequency: <0.001%). Predicted Consequence/Location: Missense variant The same nucleotide change resulting in the same amino acid change has been previously reported to be associated with ATRX-related disorder (ClinVar ID: VCV000402182 /PMID: 26539891). However, the evidence of pathogenicity is insufficient at this time. Therefore, this variant is classified as VUS according to the recommendation of ACMG/AMP guideline.

Labcorp Genetics (formerly Invitae), Labcorp
Classification: Uncertain significance for Alpha thalassemia-X-linked intellectual disability syndrome. Last evaluated: 2022-06-09. Review status: criteria provided, single submitter. Criteria: Invitae Variant Classification Sherloc (09022015). Collection method: clinical testing. Allele origin: germline.
Comment: In summary, the available evidence is currently insufficient to determine the role of this variant in disease. Therefore, it has been classified as a Variant of Uncertain Significance. Advanced modeling of protein sequence and biophysical properties (such as structural, functional, and spatial information, amino acid conservation, physicochemical variation, residue mobility, and thermodynamic stability) performed at Invitae indicates that this missense variant is not expected to disrupt ATRX protein function. ClinVar contains an entry for this variant (Variation ID: 402182). This missense change has been observed in individual(s) with intellectual disability and microcephaly (PMID: 26539891, 29790871). This variant is not present in population databases (gnomAD no frequency). This sequence change replaces serine, which is neutral and polar, with leucine, which is neutral and non-polar, at codon 559 of the ATRX protein (p.Ser559Leu).

Institute of Human Genetics, University of Leipzig Medical Center
Classification: Uncertain significance for Alpha thalassemia-X-linked intellectual disability syndrome. Last evaluated: 2020-11-06. Review status: criteria provided, single submitter. Criteria: ACMG Guidelines, 2015. Collection method: clinical testing. Allele origin: maternal. Affected: yes.

Lupski Lab, Baylor-Hopkins CMG, Baylor College of Medicine
Classification: Likely pathogenic for Global developmental delay; Microcephaly. Review status: criteria provided, single submitter. Criteria: Karaca et al. (Neuron 2015). Collection method: research. Allele origin: inherited. Inheritance: X-linked inheritance. Affected: yes.

Literature cited by the submitters: PubMed 26539891 (cited by 3billion and Labcorp Genetics (formerly Invitae), Labcorp); PubMed 29790871 (cited by Labcorp Genetics (formerly Invitae), Labcorp).